The following is an entry in ClinVar:

ClinVar aggregate classification (germline): Uncertain significance. Review status: criteria provided, multiple submitters, no conflicts (2 of 4 stars). 2 submissions from 2 submitters: Uncertain significance (2). Last evaluated 2021-08-26.

Allele frequency attached by ClinVar (database versions not stated): ExAC 0.00001; gnomAD 0.00001; gnomAD exomes 0.00001 and 0.00002; TOPMed 0.00001.
gnomAD v4.1: 22 of 1,614,054 alleles (0.0014%); highest among the groups gnomAD compares: Non-Finnish European, 0.0018%; no homozygotes.

Submissions (2):

Labcorp Genetics (formerly Invitae), Labcorp
Classification: Uncertain significance. Last evaluated: 2021-08-26. Review status: criteria provided, single submitter. Criteria: Invitae Variant Classification Sherloc (09022015). Collection method: clinical testing. Allele origin: germline.
Comment: This sequence change replaces isoleucine with threonine at codon 635 of the CDHR1 protein (p.Ile635Thr). The isoleucine residue is highly conserved and there is a moderate physicochemical difference between isoleucine and threonine. This variant is present in population databases (rs201296984, ExAC 0.001%). This variant has not been reported in the literature in individuals affected with CDHR1-related conditions. Algorithms developed to predict the effect of missense changes on protein structure and function are either unavailable or do not agree on the potential impact of this missense change (SIFT: "Deleterious"; PolyPhen-2: "Possibly Damaging"; Align-GVGD: "Class C0"). In summary, the available evidence is currently insufficient to determine the role of this variant in disease. Therefore, it has been classified as a Variant of Uncertain Significance.

Blueprint Genetics
Classification: Uncertain significance. Last evaluated: 2019-02-22. Review status: criteria provided, single submitter. Criteria: ACMG Guidelines, 2015. Collection method: clinical testing. Allele origin: germline.

NM_033100.4(CDHR1):c.1904T>C (p.Ile635Thr)

Gene: CDHR1 (cadherin related family member 1; plus strand). Cytogenetic location: 10q23.1.
Variant type: single nucleotide variant.
Coding change: c.1904T>C on transcript NM_033100.4 (MANE Select); coding-DNA position 1904, T replaced by C.
Protein change: p.Ile635Thr; replaces isoleucine 635 with threonine.
Molecular consequence: missense variant.
Genome position (GRCh38, 1-based): chr10:84,213,212, T>C. VCF-style: chr10-84213212-T-C. GRCh37 (hg19) VCF-style: chr10-85972968-T-C.
Other names: c.1904T>C, p.Ile635Thr (NM_001171971.3); short protein forms I635T.
Identifiers: ClinVar variation 963667 (VCV000963667.8), dbSNP rs201296984, ClinGen allele CA5580085.